The following is an entry in ClinVar:

ClinVar aggregate classification (germline): Likely benign. Review status: criteria provided, multiple submitters, no conflicts (2 of 4 stars). 4 submissions from 4 submitters: Likely benign (3). 1 of the submissions does not count toward it. Last evaluated 2026-01-27.

Conditions:
PRDM16-related disorder. Also called: PRDM16-related condition.
Left ventricular noncompaction 8 (LVNC8). Identifiers: Orphanet 154, Orphanet 54260, MedGen C3809288, MONDO:0014152, OMIM 615373.

Allele frequency attached by ClinVar (database versions not stated): gnomAD exomes 0.00004; ExAC 0.00005; gnomAD 0.00019 and 0.00020; TOPMed 0.00021.
gnomAD v4.1: 83 of 1,613,496 alleles (0.0051%); highest among the groups gnomAD compares: African/African-American, 0.073%; no homozygotes.

Submissions (4):

Labcorp Genetics (formerly Invitae), Labcorp
Classification: Likely benign for Left ventricular noncompaction 8. Last evaluated: 2026-01-27. Review status: criteria provided, single submitter. Criteria: Invitae Variant Classification Sherloc (09022015). Collection method: clinical testing. Allele origin: germline.

GeneDx
Classification: Likely benign. Last evaluated: 2020-03-02. Review status: criteria provided, single submitter. Criteria: GeneDx Variant Classification Process June 2021. Collection method: clinical testing. Allele origin: germline. Affected: yes.

Breakthrough Genomics
Classification: Likely benign. Review status: criteria provided, single submitter. Criteria: ACMG Guidelines, 2015. Collection method: not provided. Allele origin: germline. Inheritance: Autosomal dominant inheritance. Affected: yes.

PreventionGenetics, part of Exact Sciences
Classification: Likely benign for PRDM16-related condition. Last evaluated: 2019-06-21. Review status: no assertion criteria provided. Collection method: clinical testing. Allele origin: germline. Not counted in ClinVar's aggregate classification.
Comment: This variant is classified as likely benign based on ACMG/AMP sequence variant interpretation guidelines (Richards et al. 2015 PMID: 25741868, with internal and published modifications).

NM_022114.4(PRDM16):c.2172G>A (p.Ala724=)

Gene: PRDM16 (PR/SET domain 16; plus strand). Cytogenetic location: 1p36.32.
Variant type: single nucleotide variant.
Coding change: c.2172G>A on transcript NM_022114.4 (MANE Select); coding-DNA position 2172, G replaced by A.
Protein change: p.Ala724=; no amino-acid change (alanine 724 retained).
Molecular consequence: synonymous variant.
Genome position (GRCh38, 1-based): chr1:3,412,369, G>A. VCF-style: chr1-3412369-G-A. GRCh37 (hg19) VCF-style: chr1-3328933-G-A.
Other names: c.2172G>A, p.Ala724= (NM_199454.3).
Identifiers: ClinVar variation 391055 (VCV000391055.18), dbSNP rs773130347, ClinGen allele CA544407.